The following is an entry in ClinVar:

ClinVar aggregate classification (germline): Uncertain significance. Review status: criteria provided, multiple submitters, no conflicts (2 of 4 stars). 3 submissions from 3 submitters: Uncertain significance (3). Last evaluated 2025-02-01.

Allele frequency attached by ClinVar (database versions not stated): ExAC 0.00002.
gnomAD v4.1: 12 of 1,610,868 alleles (0.00074%); highest among the groups gnomAD compares: East Asian, 0.0045%; no homozygotes.

Submissions (3):

Ambry Genetics
Classification: Uncertain significance. Last evaluated: 2025-02-01. Review status: criteria provided, single submitter. Criteria: Ambry Variant Classification Scheme 2023. Collection method: clinical testing. Allele origin: germline.

Blueprint Genetics
Classification: Uncertain significance. Last evaluated: 2023-09-01. Review status: criteria provided, single submitter. Criteria: ACMG Guidelines, 2015. Collection method: clinical testing. Allele origin: germline.

Labcorp Genetics (formerly Invitae), Labcorp
Classification: Uncertain significance. Last evaluated: 2022-06-07. Review status: criteria provided, single submitter. Criteria: Invitae Variant Classification Sherloc (09022015). Collection method: clinical testing. Allele origin: germline.
Comment: This sequence change replaces arginine, which is basic and polar, with tryptophan, which is neutral and slightly polar, at codon 1209 of the DHX38 protein (p.Arg1209Trp). This variant is present in population databases (rs758042333, gnomAD 0.006%). This variant has not been reported in the literature in individuals affected with DHX38-related conditions. Algorithms developed to predict the effect of missense changes on protein structure and function are either unavailable or do not agree on the potential impact of this missense change (SIFT: "Deleterious"; PolyPhen-2: "Possibly Damaging"; Align-GVGD: "Class C0"). In summary, the available evidence is currently insufficient to determine the role of this variant in disease. Therefore, it has been classified as a Variant of Uncertain Significance.

NM_014003.4(DHX38):c.3625C>T (p.Arg1209Trp)

Gene: DHX38 (DEAH-box helicase 38; plus strand). Cytogenetic location: 16q22.2.
Variant type: single nucleotide variant.
Coding change: c.3625C>T on transcript NM_014003.4 (MANE Select); coding-DNA position 3625, C replaced by T.
Protein change: p.Arg1209Trp; replaces arginine 1209 with tryptophan.
Molecular consequence: missense variant.
Genome position (GRCh38, 1-based): chr16:72,112,438, C>T. VCF-style: chr16-72112438-C-T. GRCh37 (hg19) VCF-style: chr16-72146337-C-T.
Other names: c.3625C>T (NM_014003.3); short protein forms R1209W.
Identifiers: ClinVar variation 2178855 (VCV002178855.3), dbSNP rs758042333, ClinGen allele CA8161063.